The following is an entry in ClinVar:

NM_052859.4(RFT1):c.*622C>G

Gene: RFT1 (RFT1 glycolipid translocator homolog; minus strand). Cytogenetic location: 3p21.1.
Variant type: single nucleotide variant.
Coding change: c.*622C>G on transcript NM_052859.4 (MANE Select); 622 bases downstream of the stop codon, C replaced by G.
Molecular consequence: 3 prime UTR variant.
Genome position (GRCh38, 1-based): chr3:53,091,281, G>C on the plus strand (C>G on the coding strand, the complement: RFT1 is on the minus strand). VCF-style: chr3-53091281-G-C. GRCh37 (hg19) VCF-style: chr3-53125297-G-C.
Identifiers: ClinVar variation 346172 (VCV000346172.6), dbSNP rs7645611, ClinGen allele CA10619170.

ClinVar aggregate classification (germline): Benign. Review status: criteria provided, multiple submitters, no conflicts (2 of 4 stars). 2 submissions from 2 submitters: Benign (2). Last evaluated 2018-01-13.

Conditions:
RFT1-congenital disorder of glycosylation (CDG1N). Also called: Congenital disorder of glycosylation type In; CDG In; RFT1-CDG. Identifiers: Orphanet 244310, MedGen C2677590, MONDO:0012783, OMIM 612015.

Allele frequency attached by ClinVar (database versions not stated): gnomAD exomes 0.08409; gnomAD 0.15570 and 0.15942; 1000 Genomes Project 0.16693; TOPMed 0.16803; 1000 Genomes Project 30x 0.17255.
gnomAD v4.1: 24,269 of 160,176 alleles (15%); highest among the groups gnomAD compares: African/African-American, 31%; 2,581 homozygotes.

Submissions (2):

Illumina Laboratory Services, Illumina
Classification: Benign for RFT1-congenital disorder of glycosylation. Last evaluated: 2018-01-13. Review status: criteria provided, single submitter. Criteria: ICSL Variant Classification Criteria 13 December 2019. Collection method: clinical testing. Allele origin: germline.
Comment: This variant was observed in the ICSL laboratory as part of a predisposition screen in an ostensibly healthy population. It had not been previously curated by ICSL or reported in the Human Gene Mutation Database (HGMD: prior to June 1st, 2018), and was therefore a candidate for classification through an automated scoring system. Utilizing variant allele frequency, disease prevalence and penetrance estimates, and inheritance mode, an automated score was calculated to assess if this variant is too frequent to cause the disease. Based on the score and internal cut-off values, a variant classified as benign is not then subjected to further curation. The score for this variant resulted in a classification of benign for this disease.

Breakthrough Genomics
Classification: Benign. Review status: criteria provided, single submitter. Criteria: ACMG Guidelines, 2015. Collection method: not provided. Allele origin: germline. Inheritance: Autosomal recessive inheritance. Affected: yes.